The following is an entry in ClinVar:

ClinVar aggregate classification (germline): Uncertain significance. Review status: criteria provided, multiple submitters, no conflicts (2 of 4 stars). 2 submissions from 2 submitters: Uncertain significance (2). Last evaluated 2022-07-15.

Conditions:
Autosomal recessive limb-girdle muscular dystrophy type 2C (LGMDR5). Also called: MUSCULAR DYSTROPHY, DUCHENNE-LIKE; MUSCULAR DYSTROPHY, LIMB-GIRDLE, AUTOSOMAL RECESSIVE 5. Identifiers: Orphanet 353, MedGen C0410173, MONDO:0009677, OMIM 253700. Disease mechanism: Affects gamma-sarcoglycan and also disrupts the integrity of the entire sarcoglycan complex..

Allele frequency attached by ClinVar (database versions not stated): gnomAD 0.00001 and 0.00002; gnomAD exomes 0.00001; TOPMed 0.00001; ESP Exome Variant Server 0.00008; 1000 Genomes Project 30x 0.00016; 1000 Genomes Project 0.00020.
gnomAD v4.1: 31 of 1,611,366 alleles (0.0019%); highest among the groups gnomAD compares: Non-Finnish European, 0.0024%; no homozygotes.

Submissions (2):

Labcorp Genetics (formerly Invitae), Labcorp
Classification: Uncertain significance for Autosomal recessive limb-girdle muscular dystrophy type 2C. Last evaluated: 2022-07-15. Review status: criteria provided, single submitter. Criteria: Invitae Variant Classification Sherloc (09022015). Collection method: clinical testing. Allele origin: germline.
Comment: This sequence change replaces arginine, which is basic and polar, with cysteine, which is neutral and slightly polar, at codon 3 of the SGCG protein (p.Arg3Cys). This variant is present in population databases (rs140310896, gnomAD 0.003%). This missense change has been observed in individual(s) with neurodevelopmental disorder (PMID: 31785789). ClinVar contains an entry for this variant (Variation ID: 597795). Algorithms developed to predict the effect of missense changes on protein structure and function output the following: SIFT: "Deleterious"; PolyPhen-2: "Benign"; Align-GVGD: "Class C15". The cysteine amino acid residue is found in multiple mammalian species, which suggests that this missense change does not adversely affect protein function. In summary, the available evidence is currently insufficient to determine the role of this variant in disease. Therefore, it has been classified as a Variant of Uncertain Significance.

Eurofins Ntd Llc (ga)
Classification: Uncertain significance. Last evaluated: 2018-06-29. Review status: criteria provided, single submitter. Criteria: EGL ClinVar v180209 classification definitions. Collection method: clinical testing. Allele origin: germline. Observed: 1 variant allele, 1 heterozygote.

Literature cited by the submitters: PubMed 31785789 (cited by Labcorp Genetics (formerly Invitae), Labcorp).

NM_000231.3(SGCG):c.7C>T (p.Arg3Cys)

Gene: SGCG (sarcoglycan gamma; plus strand). Cytogenetic location: 13q12.12.
Variant type: single nucleotide variant.
Coding change: c.7C>T on transcript NM_000231.3 (MANE Select); coding-DNA position 7, C replaced by T.
Protein change: p.Arg3Cys; replaces arginine 3 with cysteine.
Molecular consequence: missense variant.
Genome position (GRCh38, 1-based): chr13:23,203,701, C>T. VCF-style: chr13-23203701-C-T. GRCh37 (hg19) VCF-style: chr13-23777840-C-T.
Other names: c.61C>T, p.Arg21Cys (NM_001378244.1); c.7C>T, p.Arg3Cys (NM_001378245.1, NM_001378246.1); short protein forms R3C, R21C.
Identifiers: ClinVar variation 597795 (VCV000597795.6), dbSNP rs140310896, ClinGen allele CA246628876.